The following is an entry in ClinVar:

NM_000284.4(PDHA1):c.562G>A (p.Glu188Lys)

Gene: PDHA1 (pyruvate dehydrogenase E1 subunit alpha 1; plus strand). Cytogenetic location: Xp22.12.
Variant type: single nucleotide variant.
Coding change: c.562G>A on transcript NM_000284.4 (MANE Select); coding-DNA position 562, G replaced by A.
Protein change: p.Glu188Lys; replaces glutamic acid 188 with lysine.
Molecular consequence: missense variant. On other transcripts: intron variant (1).
Genome position (GRCh38, 1-based): chrX:19,354,542, G>A. VCF-style: chrX-19354542-G-A. GRCh37 (hg19) VCF-style: chrX-19372660-G-A.
Other names: c.676G>A, p.Glu226Lys (NM_001173454.2); c.583G>A, p.Glu195Lys (NM_001173455.2); c.511-807G>A (NM_001173456.2); short protein forms E188K, E195K, E226K.
Identifiers: ClinVar variation 4070340 (VCV004070340.1).
Genomic context (GRCh38, chrX:19,354,542, plus strand): 5'-TAATGTTAGGTGCCCCTGGGCGCTGGGATTGCTCTAGCCTGTAAGTATAATGGAAAAGAT[G>A]AGGTCTGCCTGACTTTATATGGCGATGGTGCTGCTAACCAGGTAATTATGTCTCTTAACT-3'
Protein context (NP_000275.1, residues 178-198): ALACKYNGKD[Glu188Lys]VCLTLYGDGA

ClinVar aggregate classification (germline): Pathogenic (0 of 4 stars; one submission).

Conditions:
Pyruvate dehydrogenase E1-alpha deficiency (PDHAD). Also called: ATAXIA, INTERMITTENT, WITH PYRUVATE DEHYDROGENASE DEFICIENCY; ATAXIA WITH LACTIC ACIDOSIS I; ATAXIA, INTERMITTENT, WITH ABNORMAL PYRUVATE METABOLISM; Ataxia, intermittent, with pyruvate dehydrogenase, or decarboxylase, deficiency. Identifiers: Orphanet 79243, MedGen C1839413, MONDO:0010717, OMIM 312170.

Submission:

PDHA1 Study Group, University Children’s Hospital, Paracelsus Medical University
Classification: Pathogenic for Pyruvate dehydrogenase E1-alpha deficiency. Last evaluated: 2024-10-15. Review status: no assertion criteria provided. Collection method: research. Allele origin: de novo. Affected: yes. Observed: 1 variant allele.
Comment: The NM_000284.3:c.562G>A (p.Glu188Lys) substitution is a missense variant in PDHA1 gene. Among them, 1 case had confirmed de novo occurrence. The variant has been reported in 1 published case (PMIDs: 15384102). Last literature search: July 12, 2024. This variant is absent or extremely rare in population-based cohorts in the Genome Aggregation Database (gnomAD). Individuals harboring this variant presented with clinical features compatible with PDHA1-related PDHc deficiency. In summary, this variant meets criteria to be classified as pathogenic (P) for PDHA1-related PDHc deficiency based on the ACMG/AMP criteria applied: PS2, PS3, PM2, PM7, PP3 (last assessment October 15, 2024).

Literature cited by the submitters: PubMed 15384102; DOI 10.1093/brain/awaf430.